The following is an entry in ClinVar:

ClinVar aggregate classification (germline): Pathogenic (1 of 4 stars; one submission).

Submission:

Labcorp Genetics (formerly Invitae), Labcorp
Classification: Pathogenic. Last evaluated: 2023-10-04. Review status: criteria provided, single submitter. Criteria: Invitae Variant Classification Sherloc (09022015). Collection method: clinical testing. Allele origin: germline.
Comment: This sequence change creates a premature translational stop signal (p.Tyr14*) in the STAR gene. It is expected to result in an absent or disrupted protein product. Loss-of-function variants in STAR are known to be pathogenic (PMID: 8948562). This variant is not present in population databases (gnomAD no frequency). This variant has not been reported in the literature in individuals affected with STAR-related conditions. ClinVar contains an entry for this variant (Variation ID: 943469). For these reasons, this variant has been classified as Pathogenic.

Literature cited by the submitters: PubMed 8948562.

NM_000349.3(STAR):c.42C>A (p.Tyr14Ter)

Gene: STAR (steroidogenic acute regulatory protein; minus strand). Cytogenetic location: 8p11.23.
Variant type: single nucleotide variant.
Coding change: c.42C>A on transcript NM_000349.3 (MANE Select); coding-DNA position 42, C replaced by A.
Protein change: p.Tyr14Ter; replaces tyrosine 14 with a stop codon.
Molecular consequence: nonsense.
Genome position (GRCh38, 1-based): chr8:38,150,777, G>T on the plus strand (C>A on the coding strand, the complement: STAR is on the minus strand). VCF-style: chr8-38150777-G-T. GRCh37 (hg19) VCF-style: chr8-38008295-G-T.
Other names: short protein forms Y14*.
Identifiers: ClinVar variation 943469 (VCV000943469.6), dbSNP rs1217935335, ClinGen allele CA370705723.